The following is an entry in ClinVar:

NM_020778.5(ALPK3):c.1923G>A (p.Val641=)

Gene: ALPK3 (alpha kinase 3; plus strand). Cytogenetic location: 15q25.3.
Variant type: single nucleotide variant.
Coding change: c.1923G>A on transcript NM_020778.5 (MANE Select); coding-DNA position 1923, G replaced by A.
Protein change: p.Val641=; no amino-acid change (valine 641 retained).
Molecular consequence: synonymous variant.
Genome position (GRCh38, 1-based): chr15:84,856,661, G>A. VCF-style: chr15-84856661-G-A. GRCh37 (hg19) VCF-style: chr15-85399892-G-A.
Identifiers: ClinVar variation 3682119 (VCV003682119.2).

ClinVar aggregate classification (germline): Uncertain significance (1 of 4 stars; one submission).

gnomAD v4.1: 2 of 1,614,104 alleles (0.00012%); highest among the groups gnomAD compares: Non-Finnish European, 0.000085%; no homozygotes.

Submission:

Labcorp Genetics (formerly Invitae), Labcorp
Classification: Uncertain significance. Last evaluated: 2024-09-30. Review status: criteria provided, single submitter. Criteria: Invitae Variant Classification Sherloc (09022015). Collection method: clinical testing. Allele origin: germline.
Comment: This sequence change affects codon 843 of the ALPK3 mRNA. It is a 'silent' change, meaning that it does not change the encoded amino acid sequence of the ALPK3 protein. This variant is not present in population databases (gnomAD no frequency). This variant has not been reported in the literature in individuals affected with ALPK3-related conditions. Algorithms developed to predict the effect of sequence changes on RNA splicing suggest that this variant may create or strengthen a splice site. In summary, the available evidence is currently insufficient to determine the role of this variant in disease. Therefore, it has been classified as a Variant of Uncertain Significance.